The following is an entry in ClinVar:

ClinVar aggregate classification (germline): Likely pathogenic (1 of 4 stars; one submission).

Conditions:
Long QT syndrome (LQTS). Identifiers: MedGen C0023976, MeSH D008133, MONDO:0002442. Disease mechanism: loss of function. Inheritance: Various modes of inheritance.

Submission:

Dept of Medical Biology, Uskudar University
Classification: Likely pathogenic for Long QT syndrome. Last evaluated: 2024-01-08. Review status: criteria provided, single submitter. Criteria: Dept of Medical Biology Variant Classification. Collection method: research. Allele origin: paternal. Affected: yes. Observed: 1 variant allele.
Comment: Criteria: PM1_Strong, PM2, PP3

NM_000238.4(KCNH2):c.1694C>G (p.Ala565Gly)

Gene: KCNH2 (potassium voltage-gated channel subfamily H member 2; minus strand). Cytogenetic location: 7q36.1.
Variant type: single nucleotide variant.
Coding change: c.1694C>G on transcript NM_000238.4 (MANE Select); coding-DNA position 1694, C replaced by G.
Protein change: p.Ala565Gly; replaces alanine 565 with glycine.
Molecular consequence: missense variant. On other transcripts: non-coding transcript variant (2).
Genome position (GRCh38, 1-based): chr7:150,951,699, G>C on the plus strand (C>G on the coding strand, the complement: KCNH2 is on the minus strand). VCF-style: chr7-150951699-G-C. GRCh37 (hg19) VCF-style: chr7-150648787-G-C.
Other names: c.674C>G, p.Ala225Gly (NM_001204798.2, NM_172057.3); c.1406C>G, p.Ala469Gly (NM_001406753.1, NM_001406756.1); c.1517C>G, p.Ala506Gly (NM_001406755.1); c.1394C>G, p.Ala465Gly (NM_001406757.1); c.1694C>G, p.Ala565Gly (NM_172056.3); short protein forms A225G, A465G, A469G, A506G, A565G.
Identifiers: ClinVar variation 2574032 (VCV002574032.3), dbSNP rs794728482, ClinGen allele CA369858758.